The following is an entry in ClinVar:

NM_002834.5(PTPN11):c.146G>A (p.Gly49Glu)

Gene: PTPN11 (protein tyrosine phosphatase non-receptor type 11; plus strand). Cytogenetic location: 12q24.13.
Variant type: single nucleotide variant.
Coding change: c.146G>A on transcript NM_002834.5 (MANE Select); coding-DNA position 146, G replaced by A.
Protein change: p.Gly49Glu; replaces glycine 49 with glutamic acid.
Molecular consequence: missense variant.
Genome position (GRCh38, 1-based): chr12:112,450,326, G>A. VCF-style: chr12-112450326-G-A. GRCh37 (hg19) VCF-style: chr12-112888130-G-A.
Other names: c.146G>A, p.Gly49Glu (NM_001330437.2, NM_080601.3); c.143G>A, p.Gly48Glu (NM_001374625.1); short protein forms G48E, G49E.
Identifiers: ClinVar variation 5027618 (VCV005027618.1).

ClinVar aggregate classification (germline): Uncertain significance (1 of 4 stars; one submission).

Conditions:
Cardiovascular phenotype. Identifiers: MedGen CN230736.

Submission:

Ambry Genetics
Classification: Uncertain significance for Cardiovascular phenotype. Last evaluated: 2026-07-05. Review status: criteria provided, single submitter. Criteria: Ambry Variant Classification Scheme 2023. Collection method: clinical testing. Allele origin: germline.
Comment: The p.G49E variant (also known as c.146G>A), located in coding exon 3 of the PTPN11 gene, results from a G to A substitution at nucleotide position 146. The glycine at codon 49 is replaced by glutamic acid, an amino acid with similar properties. This amino acid position is conserved. In addition, this alteration is predicted to be deleterious by in silico analysis. Based on the available evidence, the clinical significance of this variant remains unclear.